The following is an entry in ClinVar:

ClinVar aggregate classification (germline): Uncertain significance. Review status: criteria provided, multiple submitters, no conflicts (2 of 4 stars). 2 submissions from 2 submitters: Uncertain significance (2). Last evaluated 2026-05-15.

Conditions:
Wilson disease (WND). Also called: Wilson's disease. Identifiers: Orphanet 905, MedGen C0019202, MONDO:0010200, OMIM 277900. Disease mechanism: loss of function.

Allele frequency attached by ClinVar (database versions not stated): gnomAD exomes below 0.00001; ExAC 0.00001.
gnomAD v4.1: 1 of 1,614,146 alleles (0.000062%); highest among the groups gnomAD compares: South Asian, 0.0011%; no homozygotes.

Submissions (2):

Women's Health and Genetics/Laboratory Corporation of America, LabCorp
Classification: Uncertain significance. Last evaluated: 2026-05-15. Review status: criteria provided, single submitter. Criteria: LabCorp Variant Classification Summary - May 2015. Collection method: clinical testing. Allele origin: germline.

Labcorp Genetics (formerly Invitae), Labcorp
Classification: Uncertain significance for Wilson disease. Last evaluated: 2018-09-11. Review status: criteria provided, single submitter. Criteria: Invitae Variant Classification Sherloc (09022015). Collection method: clinical testing. Allele origin: germline.
Comment: Algorithms developed to predict the effect of missense changes on protein structure and function are either unavailable or do not agree on the potential impact of this missense change (SIFT: "Deleterious"; PolyPhen-2: "Probably Damaging"; Align-GVGD: "Class C15"). In summary, the available evidence is currently insufficient to determine the role of this variant in disease. Therefore, it has been classified as a Variant of Uncertain Significance. This variant has not been reported in the literature in individuals with ATP7B-related disease. This variant is present in population databases (rs763053197, ExAC 0.002%). This sequence change replaces threonine with isoleucine at codon 1062 of the ATP7B protein (p.Thr1062Ile). The threonine residue is highly conserved and there is a moderate physicochemical difference between threonine and isoleucine.

NM_000053.4(ATP7B):c.3185C>T (p.Thr1062Ile)

Gene: ATP7B (ATPase copper transporting beta; minus strand). Cytogenetic location: 13q14.3.
Variant type: single nucleotide variant.
Coding change: c.3185C>T on transcript NM_000053.4 (MANE Select); coding-DNA position 3185, C replaced by T.
Protein change: p.Thr1062Ile; replaces threonine 1062 with isoleucine.
Molecular consequence: missense variant.
Genome position (GRCh38, 1-based): chr13:51,944,167, G>A on the plus strand (C>T on the coding strand, the complement: ATP7B is on the minus strand). VCF-style: chr13-51944167-G-A. GRCh37 (hg19) VCF-style: chr13-52518303-G-A.
Other names: c.2564C>T, p.Thr855Ile (NM_001005918.3); c.2852C>T, p.Thr951Ile (NM_001243182.2); c.2951C>T, p.Thr984Ile (NM_001330578.2); c.2933C>T, p.Thr978Ile (NM_001330579.2); short protein forms T1062I, T984I, T855I, T951I, T978I.
Identifiers: ClinVar variation 663298 (VCV000663298.9), dbSNP rs763053197, ClinGen allele CA6988784.